The following is an entry in ClinVar:

NM_145331.3(MAP3K7):c.97dup (p.Tyr33fs)

Gene: MAP3K7 (mitogen-activated protein kinase kinase kinase 7; minus strand). Cytogenetic location: 6q15.
Variant type: Duplication.
Coding change: c.97dup on transcript NM_145331.3 (MANE Select); coding-DNA position 97, one base duplicated (T; older notation c.97dupT).
Protein change: p.Tyr33fs; shifts the reading frame from tyrosine 33.
Molecular consequence: frameshift variant.
Genome position (GRCh38, 1-based): chr6:90,586,787, A duplicated on the plus strand (T on the coding strand, the reverse complement: MAP3K7 is on the minus strand). VCF-style (leftmost placement, unchanged base first): chr6-90586786-T-TA. GRCh37 (hg19) VCF-style: chr6-91296505-T-TA.
Other names: c.97dup, p.Tyr33fs (NM_003188.4, NM_145332.3, NM_145333.3); short protein forms Y33fs.
Identifiers: ClinVar variation 3384306 (VCV003384306.1).

ClinVar aggregate classification (germline): Uncertain significance (1 of 4 stars; one submission).

Submission:

GeneDx
Classification: Uncertain significance. Last evaluated: 2024-06-06. Review status: criteria provided, single submitter. Criteria: GeneDx Variant Classification Process June 2021. Collection method: clinical testing. Allele origin: germline. Affected: yes.
Comment: Frameshift variant predicted to result in protein truncation or nonsense mediated decay in a gene or region of a gene for which loss of function is not a well-established mechanism of disease; Not observed at significant frequency in large population cohorts (gnomAD); Has not been previously published as pathogenic or benign to our knowledge